The following is an entry in ClinVar:

ClinVar aggregate classification (germline): Pathogenic (1 of 4 stars; one submission).

Submission:

Labcorp Genetics (formerly Invitae), Labcorp
Classification: Pathogenic. Last evaluated: 2023-08-08. Review status: criteria provided, single submitter. Criteria: Invitae Variant Classification Sherloc (09022015). Collection method: clinical testing. Allele origin: germline.
Comment: For these reasons, this variant has been classified as Pathogenic. This variant has not been reported in the literature in individuals affected with VPS13A-related conditions. This variant is not present in population databases (gnomAD no frequency). This sequence change creates a premature translational stop signal (p.Leu1853*) in the VPS13A gene. It is expected to result in an absent or disrupted protein product. Loss-of-function variants in VPS13A are known to be pathogenic (PMID: 12404112, 21598378).

Literature cited by the submitters: PubMed 12404112; PubMed 21598378.

NM_033305.3(VPS13A):c.5553_5557dup (p.Leu1853Ter)

Gene: VPS13A (vacuolar protein sorting 13 homolog A; plus strand). Cytogenetic location: 9q21.2.
Variant type: Duplication.
Coding change: c.5553_5557dup on transcript NM_033305.3 (MANE Select); coding-DNA positions 5553 to 5557, 5 bases duplicated (AATGT; older notation c.5553_5557dupAATGT).
Protein change: p.Leu1853Ter; replaces leucine 1853 with a stop codon.
Molecular consequence: nonsense.
Genome position (GRCh38, 1-based): chr9:77,321,306-77,321,310, AATGT duplicated; duplicating any 5 consecutive bases within chr9:77,321,303-77,321,310 gives the same sequence; the c. name uses the placement nearest the transcript's 3' end. VCF-style (leftmost placement, unchanged base first): chr9-77321302-T-TTGTAA. GRCh37 (hg19) VCF-style: chr9-79936218-T-TTGTAA.
Other names: c.5436_5440dup, p.Leu1814Ter (NM_001018037.2); c.5553_5557dup, p.Leu1853Ter (NM_001018038.3, NM_015186.4); short protein forms L1853*, L1814*.
Identifiers: ClinVar variation 2798091 (VCV002798091.3), dbSNP rs2538007674, ClinGen allele CA2739269396.